The following is an entry in ClinVar:

ClinVar aggregate classification (germline): Likely benign (1 of 4 stars; one submission).

Allele frequency attached by ClinVar (database versions not stated): ESP Exome Variant Server 0.00124; gnomAD 0.00130; ExAC 0.00166; 1000 Genomes Project 30x 0.00375; 1000 Genomes Project 0.00659.
gnomAD v4.1: 1,036 of 1,585,056 alleles (0.065%); highest among the groups gnomAD compares: African/African-American, 0.38%; 115 homozygotes.

Submission:

CeGaT Center for Human Genetics Tuebingen
Classification: Likely benign. Last evaluated: 2025-04-01. Review status: criteria provided, single submitter. Criteria: CeGaT Center For Human Genetics Tuebingen Variant Classification Criteria Version 2. Collection method: clinical testing. Allele origin: germline. Affected: yes. Observed: 4 variant alleles.
Comment: AHNAK2: BP4, BS2

NM_138420.4(AHNAK2):c.5057C>T (p.Pro1686Leu)

Gene: AHNAK2 (AHNAK nucleoprotein 2; minus strand). Cytogenetic location: 14q32.33.
Variant type: single nucleotide variant.
Coding change: c.5057C>T on transcript NM_138420.4 (MANE Select); coding-DNA position 5057, C replaced by T.
Protein change: p.Pro1686Leu; replaces proline 1686 with leucine.
Molecular consequence: missense variant.
Genome position (GRCh38, 1-based): chr14:104,950,394, G>A on the plus strand (C>T on the coding strand, the complement: AHNAK2 is on the minus strand). VCF-style: chr14-104950394-G-A. GRCh37 (hg19) VCF-style: chr14-105416731-G-A.
Other names: c.4757C>T, p.Pro1586Leu (NM_001350929.2); short protein forms P1586L, P1686L.
Identifiers: ClinVar variation 2644808 (VCV002644808.24), dbSNP rs200117851, ClinGen allele CA7382031.